The following is an entry in ClinVar:

NM_000255.4(MMUT):c.1982C>A (p.Ala661Asp)

Gene: MMUT (methylmalonyl-CoA mutase; minus strand). Cytogenetic location: 6p12.3.
Variant type: single nucleotide variant.
Coding change: c.1982C>A on transcript NM_000255.4 (MANE Select); coding-DNA position 1982, C replaced by A.
Protein change: p.Ala661Asp; replaces alanine 661 with aspartic acid.
Molecular consequence: missense variant.
Genome position (GRCh38, 1-based): chr6:49,435,598, G>T on the plus strand (C>A on the coding strand, the complement: MMUT is on the minus strand). VCF-style: chr6-49435598-G-T. GRCh37 (hg19) VCF-style: chr6-49403311-G-T.
Other names: short protein forms A661D.
Identifiers: ClinVar variation 4293252 (VCV004293252.1).

ClinVar aggregate classification (germline): Uncertain significance (1 of 4 stars; one submission).

Conditions:
Methylmalonic aciduria due to methylmalonyl-CoA mutase deficiency (MAMM). Also called: Methylmalonic aciduria, mut type. Identifiers: Orphanet 27, MedGen C1855114, MONDO:0009612, OMIM 251000.

Submission:

3billion
Classification: Uncertain significance for Methylmalonic aciduria due to methylmalonyl-CoA mutase deficiency. Last evaluated: 2025-01-22. Review status: criteria provided, single submitter. Criteria: ACMG Guidelines, 2015. Collection method: clinical testing. Allele origin: germline. Affected: yes.
Comment: The variant is not observed in the gnomAD v4.1.0 dataset. Predicted Consequence/Location: Missense variant In silico tool predictions suggest damaging effect of the variant on gene or gene product [REVEL: 0.96 (>=0.6, sensitivity 0.68 and specificity 0.92); 3Cnet: 0.96 (>=0.6, sensitivity 0.72 and precision 0.9)]. Therefore, this variant is classified as VUS according to the recommendation of ACMG/AMP guideline.